The following is an entry in ClinVar:

ClinVar aggregate classification (germline): Likely benign (1 of 4 stars; one submission).

Allele frequency attached by ClinVar (database versions not stated): 1000 Genomes Project 30x 0.01343; 1000 Genomes Project 0.01418; gnomAD 0.01623 and 0.01627; TOPMed 0.01688.
gnomAD v4.1: 2,409 of 144,838 alleles (1.7%); highest among the groups gnomAD compares: Middle Eastern, 5.8%; 28 homozygotes.

Submission:

GeneDx
Classification: Likely benign. Last evaluated: 2018-06-14. Review status: criteria provided, single submitter. Criteria: GeneDx Variant Classification (06012015). Collection method: clinical testing. Allele origin: germline. Affected: yes.
Comment: This variant is considered likely benign or benign based on one or more of the following criteria: it is a conservative change, it occurs at a poorly conserved position in the protein, it is predicted to be benign by multiple in silico algorithms, and/or has population frequency not consistent with disease.

NM_020297.4(ABCC9):c.3567-180A>G

Genes: ABCC9 (ATP binding cassette subfamily C member 9; minus strand), KCNJ8-AS1 (KCNJ8 antisense RNA 1; plus strand). Cytogenetic location: 12p12.1.
Variant type: single nucleotide variant.
Coding change: c.3567-180A>G on transcript NM_020297.4 (MANE Select); 180 bases into the intron before coding-DNA position 3567, A replaced by G.
Molecular consequence: intron variant.
Genome position (GRCh38, 1-based): chr12:21,829,240, T>C on the plus strand (A>G on the coding strand, the complement: ABCC9 is on the minus strand). VCF-style: chr12-21829240-T-C. GRCh37 (hg19) VCF-style: chr12-21982174-T-C.
Other names: c.2700-180A>G (NM_001377274.1); c.3567-180A>G (NM_005691.4, NM_001377273.1).
Identifiers: ClinVar variation 675341 (VCV000675341.1), dbSNP rs191651742, ClinGen allele CA13663916.
Genomic context (GRCh38, chr12:21,829,240, plus strand): 5'-TAAATAGATTTCTTTTTTTTTTTTTTTTTTTTTTTTTTTTCAGATGGAGTCTCGCTCTGT[T>C]GCCCAGGCTGGAGTGCAGTGGCGCGATCTCGGCTCACTGCAAGCTCCGCCTCCCGGGCTC-3'